The following is an entry in ClinVar:

NM_014991.6(WDFY3):c.2626C>G (p.Leu876Val)

Genes: WDFY3 (WD repeat and FYVE domain containing 3; minus strand), WDFY3-AS1 (WDFY3 antisense RNA 1; plus strand). Cytogenetic location: 4q21.23.
Variant type: single nucleotide variant.
Coding change: c.2626C>G on transcript NM_014991.6 (MANE Select); coding-DNA position 2626, C replaced by G.
Protein change: p.Leu876Val; replaces leucine 876 with valine.
Molecular consequence: missense variant.
Genome position (GRCh38, 1-based): chr4:84,801,846, G>C on the plus strand (C>G on the coding strand, the complement: WDFY3 is on the minus strand). VCF-style: chr4-84801846-G-C. GRCh37 (hg19) VCF-style: chr4-85722999-G-C.
Other names: short protein forms L876V.
Identifiers: ClinVar variation 3378379 (VCV003378379.1).

ClinVar aggregate classification (germline): Uncertain significance (1 of 4 stars; one submission).

gnomAD v4.1: 1 of 1,614,036 alleles (0.000062%); no homozygotes.

Submission:

GeneDx
Classification: Uncertain significance. Last evaluated: 2024-05-17. Review status: criteria provided, single submitter. Criteria: GeneDx Variant Classification Process June 2021. Collection method: clinical testing. Allele origin: germline. Affected: yes.
Comment: Not observed at significant frequency in large population cohorts (gnomAD); In silico analysis indicates that this missense variant does not alter protein structure/function; Has not been previously published as pathogenic or benign to our knowledge